The following is an entry in ClinVar:

ClinVar aggregate classification (germline): Benign/Likely benign. Review status: criteria provided, multiple submitters, no conflicts (2 of 4 stars). 4 submissions from 4 submitters: Benign (2); Likely benign (1). 1 of the submissions does not count toward it. Last evaluated 2026-01-19.

Conditions:
VCAN-related disorder. Also called: VCAN-related condition.
Vitreoretinopathy. Also called: Vitreoretinal degeneration. Identifiers: MedGen C0344290, MONDO:0020248, HP:0007773.

Allele frequency attached by ClinVar (database versions not stated): gnomAD below 0.00001 and 0.00005; TOPMed below 0.00001; gnomAD exomes 0.00023 and 0.00047; ExAC 0.00054.
gnomAD v4.1: 338 of 1,613,914 alleles (0.021%); highest among the groups gnomAD compares: South Asian, 0.36%; 3 homozygotes.

Submissions (4):

Labcorp Genetics (formerly Invitae), Labcorp
Classification: Benign. Last evaluated: 2026-01-19. Review status: criteria provided, single submitter. Criteria: Invitae Variant Classification Sherloc (09022015). Collection method: clinical testing. Allele origin: germline.

Blueprint Genetics
Classification: Likely benign. Last evaluated: 2024-09-24. Review status: criteria provided, single submitter. Criteria: ACMG Guidelines, 2015. Collection method: clinical testing. Allele origin: germline.

Illumina Laboratory Services, Illumina
Classification: Benign for Vitreoretinopathy. Last evaluated: 2018-01-12. Review status: criteria provided, single submitter. Criteria: ICSL Variant Classification Criteria 13 December 2019. Collection method: clinical testing. Allele origin: germline.
Comment: This variant was observed in the ICSL laboratory as part of a predisposition screen in an ostensibly healthy population. It had not been previously curated by ICSL or reported in the Human Gene Mutation Database (HGMD: prior to June 1st, 2018), and was therefore a candidate for classification through an automated scoring system. Utilizing variant allele frequency, disease prevalence and penetrance estimates, and inheritance mode, an automated score was calculated to assess if this variant is too frequent to cause the disease. Based on the score and internal cut-off values, a variant classified as benign is not then subjected to further curation. The score for this variant resulted in a classification of benign for this disease.

PreventionGenetics, part of Exact Sciences
Classification: Likely benign for VCAN-related condition. Last evaluated: 2019-07-03. Review status: no assertion criteria provided. Collection method: clinical testing. Allele origin: germline. Not counted in ClinVar's aggregate classification.
Comment: This variant is classified as likely benign based on ACMG/AMP sequence variant interpretation guidelines (Richards et al. 2015 PMID: 25741868, with internal and published modifications).

NM_004385.5(VCAN):c.3188T>C (p.Leu1063Pro)

Gene: VCAN (versican; plus strand). Cytogenetic location: 5q14.3.
Variant type: single nucleotide variant.
Coding change: c.3188T>C on transcript NM_004385.5 (MANE Select); coding-DNA position 3188, T replaced by C.
Protein change: p.Leu1063Pro; replaces leucine 1063 with proline.
Molecular consequence: missense variant. On other transcripts: intron variant (2).
Genome position (GRCh38, 1-based): chr5:83,521,494, T>C. VCF-style: chr5-83521494-T-C. GRCh37 (hg19) VCF-style: chr5-82817313-T-C.
Other names: c.3188T>C, p.Leu1063Pro (NM_001164098.2); c.1042+9098T>C (NM_001164097.2, NM_001126336.3); short protein forms L1063P.
Identifiers: ClinVar variation 354414 (VCV000354414.17), dbSNP rs61754532, ClinGen allele CA3332971.